The following is an entry in ClinVar:

NM_001379270.1(CNGA1):c.1333G>A (p.Asp445Asn)

Genes: CNGA1 (cyclic nucleotide gated channel subunit alpha 1; minus strand), LOC101927157 (uncharacterized LOC101927157; plus strand). Cytogenetic location: 4p12.
Variant type: single nucleotide variant.
Coding change: c.1333G>A on transcript NM_001379270.1 (MANE Select); coding-DNA position 1333, G replaced by A.
Protein change: p.Asp445Asn; replaces aspartic acid 445 with asparagine.
Molecular consequence: missense variant.
Genome position (GRCh38, 1-based): chr4:47,937,149, C>T on the plus strand (G>A on the coding strand, the complement: CNGA1 is on the minus strand). VCF-style: chr4-47937149-C-T. GRCh37 (hg19) VCF-style: chr4-47939166-C-T.
Other names: c.1333G>A, p.Asp445Asn (NM_000087.5, NM_001142564.2); short protein forms D445N.
Identifiers: ClinVar variation 2126557 (VCV002126557.4), dbSNP rs2475749377, ClinGen allele CA356826003.

ClinVar aggregate classification (germline): Uncertain significance (1 of 4 stars; one submission).

Submission:

Labcorp Genetics (formerly Invitae), Labcorp
Classification: Uncertain significance. Last evaluated: 2024-07-03. Review status: criteria provided, single submitter. Criteria: Invitae Variant Classification Sherloc (09022015). Collection method: clinical testing. Allele origin: germline.
Comment: This sequence change replaces aspartic acid, which is acidic and polar, with asparagine, which is neutral and polar, at codon 449 of the CNGA1 protein (p.Asp449Asn). This variant is not present in population databases (gnomAD no frequency). This variant has not been reported in the literature in individuals affected with CNGA1-related conditions. ClinVar contains an entry for this variant (Variation ID: 2126557). Advanced modeling of protein sequence and biophysical properties (such as structural, functional, and spatial information, amino acid conservation, physicochemical variation, residue mobility, and thermodynamic stability) performed at Invitae indicates that this missense variant is not expected to disrupt CNGA1 protein function with a negative predictive value of 80%. In summary, the available evidence is currently insufficient to determine the role of this variant in disease. Therefore, it has been classified as a Variant of Uncertain Significance.